The following is an entry in ClinVar:

ClinVar aggregate classification (germline): Uncertain significance. Review status: criteria provided, multiple submitters, no conflicts (2 of 4 stars). 5 submissions from 4 submitters: Uncertain significance (5). Last evaluated 2024-06-13.

Conditions:
Hereditary spastic paraplegia 63. Also called: Spastic paraplegia 63, autosomal recessive. Identifiers: Orphanet 401805, MedGen C3810295, MONDO:0014305, OMIM 615686.
Pontocerebellar hypoplasia type 9. Identifiers: Orphanet 369920, MedGen C4014354, MONDO:0014351, OMIM 615809.
Inborn genetic diseases. Identifiers: MedGen C0950123, MeSH D030342.

Allele frequency attached by ClinVar (database versions not stated): gnomAD 0.00011 and 0.00014; ExAC 0.00012; gnomAD exomes 0.00012 and 0.00014; ESP Exome Variant Server 0.00015; TOPMed 0.00021.
gnomAD v4.1: 199 of 1,614,126 alleles (0.012%); highest among the groups gnomAD compares: Admixed American, 0.018%; no homozygotes.

Submissions (5):

GeneDx
Classification: Uncertain significance. Last evaluated: 2024-06-13. Review status: criteria provided, single submitter. Criteria: GeneDx Variant Classification Process June 2021. Collection method: clinical testing. Allele origin: germline. Affected: yes.
Comment: Has not been previously published as pathogenic or benign to our knowledge; In silico analysis indicates that this missense variant does not alter protein structure/function

Genome-Nilou Lab
Classification: Uncertain significance for Hereditary spastic paraplegia 63. Last evaluated: 2023-04-11. Review status: criteria provided, single submitter. Criteria: ACMG Guidelines, 2015. Collection method: clinical testing. Allele origin: germline. Affected: no.

Genome-Nilou Lab
Classification: Uncertain significance for Pontocerebellar hypoplasia type 9. Last evaluated: 2023-04-11. Review status: criteria provided, single submitter. Criteria: ACMG Guidelines, 2015. Collection method: clinical testing. Allele origin: germline. Affected: no.

Labcorp Genetics (formerly Invitae), Labcorp
Classification: Uncertain significance for Pontocerebellar hypoplasia type 9; Hereditary spastic paraplegia 63. Last evaluated: 2022-10-17. Review status: criteria provided, single submitter. Criteria: Invitae Variant Classification Sherloc (09022015). Collection method: clinical testing. Allele origin: germline.
Comment: This sequence change replaces alanine, which is neutral and non-polar, with valine, which is neutral and non-polar, at codon 647 of the AMPD2 protein (p.Ala647Val). This variant is present in population databases (rs376516473, gnomAD 0.02%). This variant has not been reported in the literature in individuals affected with AMPD2-related conditions. ClinVar contains an entry for this variant (Variation ID: 944582). Algorithms developed to predict the effect of missense changes on protein structure and function (SIFT, PolyPhen-2, Align-GVGD) all suggest that this variant is likely to be tolerated. In summary, the available evidence is currently insufficient to determine the role of this variant in disease. Therefore, it has been classified as a Variant of Uncertain Significance.

Ambry Genetics
Classification: Uncertain significance for Inborn genetic diseases. Last evaluated: 2020-11-06. Review status: criteria provided, single submitter. Criteria: Ambry Variant Classification Scheme 2023. Collection method: clinical testing. Allele origin: germline.
Comment: The c.1940C>T (p.A647V) alteration is located in exon 14 (coding exon 14) of the AMPD2 gene. This alteration results from a C to T substitution at nucleotide position 1940, causing the alanine (A) at amino acid position 647 to be replaced by a valine (V). Based on data from the Genome Aggregation Database (gnomAD) database, the AMPD2 c.1940C>T alteration was observed in 0.01% (38/282824) of total alleles studied. This amino acid position is not well conserved in available vertebrate species. The p.A647V alteration is predicted to be tolerated by in silico analysis. Based on insufficient or conflicting evidence, the clinical significance of this alteration remains unclear.

NM_001368809.2(AMPD2):c.1778C>T (p.Ala593Val)

Gene: AMPD2 (adenosine monophosphate deaminase 2; plus strand). Cytogenetic location: 1p13.3.
Variant type: single nucleotide variant.
Coding change: c.1778C>T on transcript NM_001368809.2 (MANE Select); coding-DNA position 1778, C replaced by T.
Protein change: p.Ala593Val; replaces alanine 593 with valine.
Molecular consequence: missense variant.
Genome position (GRCh38, 1-based): chr1:109,629,406, C>T. VCF-style: chr1-109629406-C-T. GRCh37 (hg19) VCF-style: chr1-110172028-C-T.
Other names: c.1940C>T (NM_001257360.1, NM_004037.6); c.1586C>T, p.Ala529Val (NM_001257361.2); c.1715C>T, p.Ala572Val (NM_001308170.1); c.1778C>T, p.Ala593Val (NM_004037.9); c.1697C>T, p.Ala566Val (NM_139156.4); short protein forms A572V, A566V, A529V, A593V.
Identifiers: ClinVar variation 944582 (VCV000944582.8), dbSNP rs376516473, ClinGen allele CA993187.
Genomic context (GRCh38, chr1:109,629,406, plus strand): 5'-TGGATGATGAGTCCAAGCCTGAAAACCATGTCTTCAACCTGGAGAGCCCCCTGCCTGAGG[C>T]GTGGGTGGAGGAGGACAACCCACCCTATGCCTACTACCTGTACTACACCTTTGCCAACAT-3'
Protein context (NP_001355738.1, residues 583-603): VFNLESPLPE[Ala593Val]WVEEDNPPYA